The following is an entry in ClinVar:

NM_000395.3(CSF2RB):c.715C>A (p.Pro239Thr)

Gene: CSF2RB (colony stimulating factor 2 receptor subunit beta; plus strand). Cytogenetic location: 22q12.3.
Variant type: single nucleotide variant.
Coding change: c.715C>A on transcript NM_000395.3 (MANE Select); coding-DNA position 715, C replaced by A.
Protein change: p.Pro239Thr; replaces proline 239 with threonine.
Molecular consequence: missense variant.
Genome position (GRCh38, 1-based): chr22:36,929,804, C>A. VCF-style: chr22-36929804-C-A. GRCh37 (hg19) VCF-style: chr22-37325846-C-A.
Other names: c.715C>A, p.Pro239Thr (NM_001410827.1); short protein forms P239T.
Identifiers: ClinVar variation 1895785 (VCV001895785.5), dbSNP rs763386045, ClinGen allele CA10213548.

ClinVar aggregate classification (germline): Uncertain significance (1 of 4 stars; one submission).

gnomAD v4.1: 10 of 1,613,508 alleles (0.00062%); highest among the groups gnomAD compares: Non-Finnish European, 0.00085%; no homozygotes.

Submission:

Labcorp Genetics (formerly Invitae), Labcorp
Classification: Uncertain significance. Last evaluated: 2024-03-04. Review status: criteria provided, single submitter. Criteria: Invitae Variant Classification Sherloc (09022015). Collection method: clinical testing. Allele origin: germline.
Comment: This sequence change replaces proline, which is neutral and non-polar, with threonine, which is neutral and polar, at codon 239 of the CSF2RB protein (p.Pro239Thr). This variant is present in population databases (rs763386045, gnomAD 0.004%). This variant has not been reported in the literature in individuals affected with CSF2RB-related conditions. ClinVar contains an entry for this variant (Variation ID: 1895785). Advanced modeling of protein sequence and biophysical properties (such as structural, functional, and spatial information, amino acid conservation, physicochemical variation, residue mobility, and thermodynamic stability) performed at Invitae indicates that this missense variant is not expected to disrupt CSF2RB protein function with a negative predictive value of 80%. In summary, the available evidence is currently insufficient to determine the role of this variant in disease. Therefore, it has been classified as a Variant of Uncertain Significance.